The following is an entry in ClinVar:

NM_000336.3(SCNN1B):c.1152+10T>C

Gene: SCNN1B (sodium channel epithelial 1 subunit beta; plus strand). Cytogenetic location: 16p12.2.
Variant type: single nucleotide variant.
Coding change: c.1152+10T>C on transcript NM_000336.3 (MANE Select); 10 bases into the intron after coding-DNA position 1152, T replaced by C.
Molecular consequence: intron variant.
Genome position (GRCh38, 1-based): chr16:23,371,893, T>C. VCF-style: chr16-23371893-T-C. GRCh37 (hg19) VCF-style: chr16-23383214-T-C.
Other names: p.?.
Identifiers: ClinVar variation 1256466 (VCV001256466.12), dbSNP rs72654341, ClinGen allele CA7960368.
Genomic context (GRCh38, chr16:23,371,893, plus strand): 5'-GTCCCCGTCCAAAACTTCTACAGTGACTACAACACGACCTACTCCATCCAGGTGGGAAGG[T>C]GGTGCACGCCTCATGCCCCGGGGCCCCTGTCCGGGTTTATGGGGCCAAGGCCTCAGTACT-3'

ClinVar aggregate classification (germline): Benign/Likely benign. Review status: criteria provided, multiple submitters, no conflicts (2 of 4 stars). 9 submissions from 9 submitters: Benign (5); Likely benign (4). Last evaluated 2025-12-04.

Conditions:
Pseudohypoaldosteronism, type IB2, autosomal recessive (PHA1B2). Identifiers: MedGen C5774255, MONDO:0859317, OMIM 620125.
Bronchiectasis with or without elevated sweat chloride 1 (BESC1). Also called: Cystic Fibrosis-Like Syndrome. Identifiers: Orphanet 60033, MedGen C2749757, MONDO:0008887, OMIM 211400.
Liddle syndrome 1 (LIDLS1). Also called: PSEUDOALDOSTERONISM. Identifiers: Orphanet 526, MedGen CN031472, MONDO:0020607, OMIM 177200.
Pseudohypoaldosteronism, type IB1, autosomal recessive. Also called: Pseudohypoaldosteronism, Type I, Autosomal Recessive; Pseudohypoaldosteronism, Type I, Recessive; PHA I, AUTOSOMAL RECESSIVE; Autosomal recessive pseudohypoaldosteronism type 1. Identifiers: Orphanet 171876, Orphanet 756, MedGen C5774176, MONDO:0009917, OMIM 264350.

Allele frequency attached by ClinVar (database versions not stated): gnomAD exomes 0.00012 and 0.00028; 1000 Genomes Project 30x 0.00031; ExAC 0.00031; 1000 Genomes Project 0.00040; gnomAD 0.00100 and 0.00108; ESP Exome Variant Server 0.00123; TOPMed 0.00125.
gnomAD v4.1: 344 of 1,596,938 alleles (0.022%); highest among the groups gnomAD compares: African/African-American, 0.37%; 2 homozygotes.

Submissions (9):

Mayo Clinic Laboratories, Mayo Clinic
Classification: Likely benign. Last evaluated: 2025-12-04. Review status: criteria provided, single submitter. Criteria: ACMG Guidelines, 2015. Collection method: clinical testing. Allele origin: germline. Observed: 1 variant allele.
Comment: BS1, BP4, BP7

Labcorp Genetics (formerly Invitae), Labcorp
Classification: Benign. Last evaluated: 2025-11-12. Review status: criteria provided, single submitter. Criteria: Invitae Variant Classification Sherloc (09022015). Collection method: clinical testing. Allele origin: germline.

Blueprint Genetics
Classification: Likely benign. Last evaluated: 2024-11-01. Review status: criteria provided, single submitter. Criteria: ACMG Guidelines, 2015. Collection method: clinical testing. Allele origin: germline.

Women's Health and Genetics/Laboratory Corporation of America, LabCorp
Classification: Benign. Last evaluated: 2023-07-17. Review status: criteria provided, single submitter. Criteria: LabCorp Variant Classification Summary - May 2015. Collection method: clinical testing. Allele origin: germline.
Comment: Variant summary: SCNN1B c.1152+10T>C alters a non-conserved nucleotide located close to a canonical splice site and therefore could affect mRNA splicing, leading to a significantly altered protein sequence. Computational tools predict no significant impact on normal splicing. However, these predictions have yet to be confirmed by functional studies. The variant allele was found at a frequency of 0.00036 in 282826 control chromosomes (gnomAD), predominantly at a frequency of 0.0034 within the African or African-American subpopulation in the gnomAD database. The observed variant frequency within African or African-American control individuals in the gnomAD database is greater than expected for a dominant disease (0.002), strongly suggesting that the variant is a benign polymorphism found primarily in populations of African or African-American origin. To our knowledge, no occurrence of c.1152+10T>C in individuals affected with SCNN1B-Related Disorders and no experimental evidence demonstrating its impact on protein function have been reported. Five ClinVar submitters have assessed the variant since 2014: two classified the variant as likely benign, and three as benign. Based on the evidence outlined above, the variant was classified as benign.

Johns Hopkins Genomics, Johns Hopkins University
Classification: Likely benign for Pseudohypoaldosteronism, type IB2, autosomal recessive. Last evaluated: 2023-04-03. Review status: criteria provided, single submitter. Criteria: ACMG Guidelines, 2015. Collection method: clinical testing. Allele origin: germline.

Mendelics
Classification: Benign. Last evaluated: 2022-05-04. Review status: criteria provided, single submitter. Criteria: Mendelics Assertion Criteria 2019. Collection method: clinical testing. Allele origin: germline.

Fulgent Genetics
Classification: Likely benign for Liddle syndrome 1; Bronchiectasis with or without elevated sweat chloride 1; Pseudohypoaldosteronism, type IB1, autosomal recessive. Last evaluated: 2021-09-12. Review status: criteria provided, single submitter. Criteria: ACMG Guidelines, 2015. Collection method: clinical testing. Allele origin: unknown.

Athena Diagnostics
Classification: Benign. Last evaluated: 2020-12-31. Review status: criteria provided, single submitter. Criteria: Athena Diagnostics criteria. Collection method: clinical testing. Allele origin: unknown.

Breakthrough Genomics
Classification: Benign. Review status: criteria provided, single submitter. Criteria: ACMG Guidelines, 2015. Collection method: not provided. Allele origin: germline. Inheritance: Autosomal dominant inheritance. Affected: yes.